The following is an entry in ClinVar:

NM_001270974.2(HYDIN):c.3252dup (p.Val1085fs)

Gene: HYDIN (HYDIN axonemal central pair apparatus protein; minus strand). Cytogenetic location: 16q22.2.
Variant type: Duplication.
Coding change: c.3252dup on transcript NM_001270974.2 (MANE Select); coding-DNA position 3252, one base duplicated (C; older notation c.3252dupC).
Protein change: p.Val1085fs; shifts the reading frame from valine 1085.
Molecular consequence: frameshift variant.
Genome position (GRCh38, 1-based): chr16:71,020,252, G duplicated on the plus strand (C on the coding strand, the reverse complement: HYDIN is on the minus strand); the first of 3 consecutive G bases (chr16:71,020,252-71,020,254); duplicating any one gives the same sequence. VCF-style (leftmost placement, unchanged base first): chr16-71020251-C-CG. GRCh37 (hg19) VCF-style: chr16-71054154-C-CG.
Other names: short protein forms V1085fs.
Identifiers: ClinVar variation 3027494 (VCV003027494.2), dbSNP rs762376719, ClinGen allele CA8150936.

ClinVar aggregate classification (germline): Pathogenic. Review status: criteria provided, multiple submitters, no conflicts (2 of 4 stars). 2 submissions from 2 submitters: Pathogenic (2). Last evaluated 2026-04-01.

Conditions:
Primary ciliary dyskinesia 5. Also called: CILIARY DYSKINESIA, PRIMARY, 5, WITHOUT SITUS INVERSUS. Identifiers: Orphanet 244, MedGen C1837615, MONDO:0012088, OMIM 608647.
Primary ciliary dyskinesia. Also called: Ciliary dyskinesia. Identifiers: Orphanet 244, MedGen C0008780, MONDO:0016575, HP:0012265.

Submissions (2):

Department of Human Genetics, Hannover Medical School
Classification: Pathogenic for Primary Ciliary Dyskinesia. Last evaluated: 2026-04-01. Review status: criteria provided, single submitter. Criteria: ACMG Guidelines, 2015. Collection method: research. Allele origin: germline. Affected: no.
Comment: Classification performed by HerediClassify using the following criteria:['PM2_supporting: Variant occures does not occur as homozygous in gnomAD.', 'PVS1_protein_very_strong: Transcript ENST00000393567 is predicted to undergo NMD.', "PP4_supporting: The modified PICADAR socre of 2.0 exceeds threshold of 2 achieving 'supporting' evidence strength."]

Royal Brompton Clinical Genetics And Genomics Laboratory, NHS South East Genomic Laboratory Hub
Classification: Pathogenic for Primary ciliary dyskinesia 5. Last evaluated: 2024-03-06. Review status: criteria provided, single submitter. Criteria: RBHT-CGGL ClinVar Assertion Criteria. Collection method: clinical testing. Allele origin: germline. Affected: yes. Observed: 1 variant allele.
Comment: 2 siblings Compound heterozygous with likely pathogenic NM_001270974.2:c.1670G>C